The following is an entry in ClinVar:

ClinVar aggregate classification (germline): Likely pathogenic (1 of 4 stars; one submission).

Conditions:
Axenfeld-Rieger syndrome type 3 (RIEG3). Also called: AXENFELD-RIEGER ANOMALY WITH CARDIAC DEFECTS AND/OR SENSORINEURAL HEARING LOSS. Identifiers: Orphanet 782, MedGen C2678503, MONDO:0011233, OMIM 602482.
Anterior segment dysgenesis 3 (ASGD3). Also called: IRIDOGONIODYSGENESIS ANOMALY, AUTOSOMAL DOMINANT; Glaucoma iridogoniodysplasia, familial. Identifiers: Orphanet 91483, MedGen C5975707, MONDO:0024456, OMIM 601631.

Submission:

Molecular Genetics Department, Kulakov National Medical Research Center for Obstetrics, Gynecology and Perinatology
Classification: Likely pathogenic for Anterior segment dysgenesis 3; Axenfeld-Rieger syndrome type 3. Review status: criteria provided, single submitter. Criteria: ACMG Guidelines, 2015. Collection method: clinical testing. Allele origin: germline. Affected: yes. Observed: 1 variant allele.
Comment: A previously undescribed heterozygous nucleotide variant creates a frameshift p.Ala381ArgfsTer20 in the FOXC1 gene. Heterozygous variants are reported in patients with anterior segment dysgenesis 3, multiple subtypes, 601631; Axenfeld-Rieger syndrome, type 3, 602482. The variant is not present in population database (gnomAD no frequency). In summary, the currently available evidence indicates that the variant is pathogenic, but additional data are needed to prove that conclusively. Therefore, this variant has been classified as likely pathogenic.

NM_001453.3(FOXC1):c.1141del (p.Ala381fs)

Gene: FOXC1 (forkhead box C1; plus strand). Cytogenetic location: 6p25.3.
Variant type: Deletion.
Coding change: c.1141del on transcript NM_001453.3 (MANE Select); coding-DNA position 1141, one base deleted (G; older notation c.1141delG).
Protein change: p.Ala381fs; shifts the reading frame from alanine 381.
Molecular consequence: frameshift variant.
Genome position (GRCh38, 1-based): chr6:1,611,586, G deleted. VCF-style (leftmost placement, unchanged base first): chr6-1611585-CG-C. GRCh37 (hg19) VCF-style: chr6-1611820-CG-C.
Other names: short protein forms A381fs.
Identifiers: ClinVar variation 4294515 (VCV004294515.1).
Genomic context (GRCh38, chr6:1,611,585, plus strand): 5'-CTACAGCTCCCCCTGCAGCCAGACCTCCAGCGCGGGCAGCTCGGGCGGCGGCGGCGGCGG[CG>C]CGGGGGCCGCGGGGGGCGCGGGCGGCGCCGGGACCTACCACTGCAACCTGCAAGCCATGA-3'